The following is an entry in ClinVar:

ClinVar aggregate classification (germline): Uncertain significance. Review status: criteria provided, multiple submitters, no conflicts (2 of 4 stars). 2 submissions from 2 submitters: Uncertain significance (2). Last evaluated 2026-08-10.

Conditions:
Inborn genetic diseases. Identifiers: MedGen C0950123, MeSH D030342.
BBS10-related disorder. Also called: BBS10-related condition.

gnomAD v4.1: 30 of 1,613,502 alleles (0.0019%); highest among the groups gnomAD compares: Non-Finnish European, 0.0023%; no homozygotes.

Submissions (2):

PreventionGenetics, part of Exact Sciences
Classification: Uncertain significance for BBS10-related condition. Last evaluated: 2026-08-10. Review status: criteria provided, single submitter. Criteria: ACMG Guidelines, 2015. Collection method: clinical testing. Allele origin: germline.
Comment: The BBS10 c.491C>T variant is predicted to result in the amino acid substitution p.Thr164Ile. To our knowledge, this variant has not been reported in the literature. This variant is reported in 0.0035% of alleles in individuals of European (Non-Finnish) descent in gnomAD. At this time, the clinical significance of this variant is uncertain due to the absence of conclusive functional and genetic evidence.

Ambry Genetics
Classification: Uncertain significance for Inborn genetic diseases. Last evaluated: 2025-04-17. Review status: criteria provided, single submitter. Criteria: Ambry Variant Classification Scheme 2023. Collection method: clinical testing. Allele origin: germline.

NM_024685.4(BBS10):c.491C>T (p.Thr164Ile)

Gene: BBS10 (Bardet-Biedl syndrome 10; minus strand). Cytogenetic location: 12q21.2.
Variant type: single nucleotide variant.
Coding change: c.491C>T on transcript NM_024685.4 (MANE Select); coding-DNA position 491, C replaced by T.
Protein change: p.Thr164Ile; replaces threonine 164 with isoleucine.
Molecular consequence: missense variant.
Genome position (GRCh38, 1-based): chr12:76,347,494, G>A on the plus strand (C>T on the coding strand, the complement: BBS10 is on the minus strand). VCF-style: chr12-76347494-G-A. GRCh37 (hg19) VCF-style: chr12-76741274-G-A.
Other names: short protein forms T164I.
Identifiers: ClinVar variation 3990417 (VCV003990417.2).